The following continues an entry in ClinVar:

NM_000492.4(CFTR):c.2988+1G>A

ClinVar aggregate classification (germline): Pathogenic. Pathogenic (1).

Submissions 10 to 34 of 34:

ARUP Laboratories, Molecular Genetics and Genomics, ARUP Laboratories
Classification: Pathogenic for Cystic fibrosis. Last evaluated: 2025-02-03. Review status: criteria provided, single submitter. Criteria: ARUP Molecular Germline Variant Investigation Process 2024. Collection method: clinical testing. Allele origin: germline. Not counted in ClinVar's aggregate classification.
Comment: The CFTR c.2988+1G>A variant (rs75096551), also known as 3120+1G>A, is reported in patients diagnosed with cystic fibrosis (Chavez-Saldana 2010, Masekela 2013, Wilschanski 1995), and is associated with elevated sweat levels and pancreatic insufficiency (Masekela 2013, Ooi 2012, Sosnay 2013, see CFTR2 database). This variant is reported in ClinVar (Variation ID: 7224), and is found in the general population with an overall allele frequency of 0.01% (33/282364 alleles) in the Genome Aggregation Database. This variant disrupts the canonical splice donor site of intron 18, which is likely to negatively impact gene function. Functional characterization indicates that exon 18 is skipped in the CFTR mRNA, and results in the absence of CFTR protein (Sharma 2014). Based on available information, this variant is considered to be pathogenic. References: CFTR2 database link: Chavez-Saldana M et al. CFTR allelic heterogeneity in Mexican patients with cystic fibrosis: implications for molecular screening. Rev Invest Clin. 2010; 62(6):546-52. PMID: 21416780 Masekela R et al. Phenotypic expression of the 3120+1G>A mutation in non-Caucasian children with cystic fibrosis in South Africa. J Cyst Fibros. 2013; 12(4):363-6. PMID: 23206872 Ooi C. et al. Cystic fibrosis transmembrane conductance regulator (CFTR) gene mutations in pancreatitis. J Cyst Fibros. 2012; 11(5):355-62. PMID: 22658665 Sharma N et al. Experimental assessment of splicing variants using expression minigenes and comparison with in silico predictions. Hum Mutat. 2014; 35(10):1249-59. PMID: 25066652 Sosnay PR et al. Defining the disease liability of variants in the cystic fibrosis transmembrane conductance regulator gene. Nat Genet. 2013; 45(10):1160-7. PMID: 23974870 Wilschanski M et al. Correlation of sweat chloride concentration with classes of the cystic fibrosis transmembrane conductance regulator gene mutations. J Pediatr. 1995; 127(5):705-10. PMID: 7472820

Quest Diagnostics Nichols Institute San Juan Capistrano
Classification: Pathogenic. Last evaluated: 2025-01-24. Review status: criteria provided, single submitter. Criteria: Quest Diagnostics criteria. Collection method: clinical testing. Allele origin: unknown. Not counted in ClinVar's aggregate classification.
Comment: The CFTR c.2988+1G>A variant disrupts a canonical splice-donor site and interferes with normal CFTR mRNA splicing. This variant has been reported in the published literature in individuals with cystic fibrosis (PMID: 38744777 (2024), 36458240 (2022), 32662942 (2020), 32429104 (2020), 23974870 (2013), 23206872 (2013), 11924117 (1999), 9950364 (1999), 9683582 (1998)) and congenital bilateral absence of the vas deferens (PMID: 21520337 (2011)). Functional studies demonstrated that this variant disrupted mRNA splicing (PMID: 25066652 (2014)). The frequency of this variant in the general population (Genome Aggregation Database) is consistent with pathogenicity. Based on the available information, this variant is classified as pathogenic.

Dubai Health Genomic Medicine Center, Dubai Health
Classification: Pathogenic for Cystic fibrosis. Last evaluated: 2024-10-04. Review status: criteria provided, single submitter. Criteria: ACMG Guidelines, 2015. Collection method: research. Allele origin: germline. Affected: yes. Not counted in ClinVar's aggregate classification.
Comment: PVS1, PM3_VeryStrong, PM2, PP4, PS3

Mayo Clinic Laboratories, Mayo Clinic
Classification: Pathogenic. Last evaluated: 2024-04-09. Review status: criteria provided, single submitter. Criteria: ACMG Guidelines, 2015. Collection method: clinical testing. Allele origin: germline. Observed: 12 variant alleles. Not counted in ClinVar's aggregate classification.

Baylor Genetics
Classification: Pathogenic for Bronchiectasis with or without elevated sweat chloride 1. Last evaluated: 2024-03-28. Review status: criteria provided, single submitter. Criteria: ACMG Guidelines, 2015. Collection method: clinical testing. Allele origin: unknown. Not counted in ClinVar's aggregate classification.

Genomic Medicine Center of Excellence, King Faisal Specialist Hospital and Research Centre
Classification: Pathogenic for Cystic fibrosis. Last evaluated: 2024-03-26. Review status: criteria provided, single submitter. Criteria: ACMG Guidelines, 2015. Collection method: clinical testing. Allele origin: germline. Not counted in ClinVar's aggregate classification.

Division of Human Genetics, National Health Laboratory Service/University of the Witwatersrand
Classification: Pathogenic for Cystic fibrosis. Last evaluated: 2023-07-01. Review status: criteria provided, single submitter. Criteria: ACMG Guidelines, 2015. Collection method: research. Allele origin: germline. Affected: yes. Not counted in ClinVar's aggregate classification.

Blueprint Genetics
Classification: Pathogenic for CFTR-related disorders. Last evaluated: 2023-02-27. Review status: criteria provided, single submitter. Criteria: ACMG Guidelines, 2015. Collection method: clinical testing. Allele origin: germline. Affected: yes. Observed: 4 variant alleles. Not counted in ClinVar's aggregate classification.

Laboratorio de Genetica e Diagnostico Molecular, Hospital Israelita Albert Einstein
Classification: Pathogenic for Cystic fibrosis. Last evaluated: 2021-08-20. Review status: criteria provided, single submitter. Criteria: ACMG Guidelines, 2015. Collection method: clinical testing. Allele origin: germline. Affected: yes. Not counted in ClinVar's aggregate classification.
Comment: ACMG classification criteria: PVS1 very strong, PS3 supporting, PS4 moderate, PM3 strong

Revvity Omics, Revvity
Classification: Pathogenic. Last evaluated: 2021-06-18. Review status: criteria provided, single submitter. Criteria: ACMG Guidelines, 2015. Collection method: clinical testing. Allele origin: germline. Not counted in ClinVar's aggregate classification.

Myriad Genetics, Inc.
Classification: Pathogenic for Cystic fibrosis. Last evaluated: 2019-11-12. Review status: criteria provided, single submitter. Criteria: Myriad Women's Health Autosomal Recessive and X-Linked Classification Criteria (2019). Collection method: clinical testing. Allele origin: unknown. Not counted in ClinVar's aggregate classification.
Comment: NM_000492.3(CFTR):c.2988+1G>A(aka 3120+1G>A) is classified as pathogenic in the context of cystic fibrosis and is associated with the classic form of disease. Sources cited for classification include the following: PMID 23974870. Classification of NM_000492.3(CFTR):c.2988+1G>A(aka 3120+1G>A) is based on the following criteria: The variant is located at a canonical splice site, is expected to disrupt gene function and is reported in individuals with the relevant phenotype. Please note: this variant was assessed in the context of healthy population screening.

Baylor Genetics
Classification: Pathogenic for Cystic fibrosis. Last evaluated: 2019-09-26. Review status: criteria provided, single submitter. Criteria: ACMG Guidelines, 2015. Collection method: clinical testing. Allele origin: unknown. Affected: yes. Not counted in ClinVar's aggregate classification.
Comment: This variant was determined to be pathogenic according to ACMG Guidelines, 2015 [PMID:25741868].

Mendelics
Classification: Pathogenic for Cystic fibrosis. Last evaluated: 2019-05-28. Review status: criteria provided, single submitter. Criteria: Mendelics Assertion Criteria 2017. Collection method: clinical testing. Allele origin: unknown. Not counted in ClinVar's aggregate classification.

Fulgent Genetics
Classification: Pathogenic for Hereditary pancreatitis; Bronchiectasis with or without elevated sweat chloride 1; Cystic fibrosis; Congenital bilateral aplasia of vas deferens from CFTR mutation. Last evaluated: 2018-10-31. Review status: criteria provided, single submitter. Criteria: ACMG Guidelines, 2015. Collection method: clinical testing. Allele origin: unknown. Not counted in ClinVar's aggregate classification.

Genomic Research Center, Shahid Beheshti University of Medical Sciences
Classification: Pathogenic for Cystic fibrosis. Last evaluated: 2018-03-05. Review status: criteria provided, single submitter. Criteria: ACMG Guidelines, 2015. Collection method: clinical testing. Allele origin: inherited. Affected: yes. Observed: 1 variant allele. Not counted in ClinVar's aggregate classification.

CFTR-France
Classification: Pathogenic for cystic fibrosis. Last evaluated: 2018-01-29. Review status: criteria provided, single submitter. Criteria: Claustres M et al. (Hum Mutat 2017). Collection method: curation. Allele origin: germline. Affected: yes. Not counted in ClinVar's aggregate classification.

Department of Genetics, Sultan Qaboos University Hospital
Classification: Pathogenic for Cystic fibrosis. Last evaluated: 2017-12-30. Review status: criteria provided, single submitter. Criteria: ACMG Guidelines, 2015. Collection method: clinical testing. Allele origin: unknown. Affected: yes. Not counted in ClinVar's aggregate classification.

Eurofins Ntd Llc (ga)
Classification: Pathogenic. Last evaluated: 2016-12-27. Review status: criteria provided, single submitter. Criteria: EGL Classification Definitions. Collection method: clinical testing. Allele origin: germline. Observed: 20 variant alleles, 20 heterozygotes. Not counted in ClinVar's aggregate classification.

Baylor Genetics
Classification: Pathogenic for Congenital bilateral aplasia of vas deferens from CFTR mutation; Cystic fibrosis. Review status: criteria provided, single submitter. Criteria: ACMG Guidelines, 2015. Collection method: clinical testing. Allele origin: germline. Not counted in ClinVar's aggregate classification.

Women's Health and Genetics/Laboratory Corporation of America, LabCorp
Classification: Pathogenic for Cystic Fibrosis. Last evaluated: 2015-06-22. Review status: no assertion criteria provided. Collection method: clinical testing. Allele origin: germline. Not counted in ClinVar's aggregate classification.

OMIM
Classification: Pathogenic for CYSTIC FIBROSIS. Last evaluated: 1998-08-01. Review status: no assertion criteria provided. Collection method: literature only. Allele origin: germline. Not counted in ClinVar's aggregate classification.

Clinical Genetics DNA and cytogenetics Diagnostics Lab, Erasmus MC, Erasmus Medical Center
Classification: Pathogenic. Review status: no assertion criteria provided. Collection method: clinical testing. Allele origin: germline. Affected: yes. Study: VKGL Data-share Consensus. Not counted in ClinVar's aggregate classification.

Diagnostic Laboratory, Department of Genetics, University Medical Center Groningen
Classification: Pathogenic. Review status: no assertion criteria provided. Collection method: clinical testing. Allele origin: germline. Affected: yes. Study: VKGL Data-share Consensus. Not counted in ClinVar's aggregate classification.

GeneReviews
No classification provided. Condition: Cystic fibrosis. Review status: no classification provided. Collection method: literature only. Allele origin: unknown. Not counted in ClinVar's aggregate classification.

Joint Genome Diagnostic Labs from Nijmegen and Maastricht, Radboudumc and MUMC+
Classification: Pathogenic. Review status: no assertion criteria provided. Collection method: clinical testing. Allele origin: germline. Affected: yes. Study: VKGL Data-share Consensus. Not counted in ClinVar's aggregate classification.

Literature cited by the submitters: PMC 3110945 (cited by American College of Medical Genetics and Genomics  (ACMG)); PubMed 16199547 (cited by Labcorp Genetics (formerly Invitae), Labcorp); PubMed 1695717 (cited by Labcorp Genetics (formerly Invitae), Labcorp); PubMed 7691345 (cited by Labcorp Genetics (formerly Invitae), Labcorp); PubMed 9725922 (cited by Labcorp Genetics (formerly Invitae), Labcorp); PubMed 15371902 (cited by Labcorp Genetics (formerly Invitae), Labcorp and GeneReviews); PubMed 23974870 (cited by 3 submitters); PubMed 17662673 (cited by Natera, Inc.); PubMed 9429141 (cited by Natera, Inc.); PubMed 25066652 (cited by Ambry Genetics and Quest Diagnostics Nichols Institute San Juan Capistrano); PubMed 29261177 (cited by Ambry Genetics); PubMed 30606298 (cited by Ambry Genetics); PubMed 8880589 (cited by Ambry Genetics); PubMed 9150159 (cited by Ambry Genetics); PubMed 38744777 (cited by Quest Diagnostics Nichols Institute San Juan Capistrano); PubMed 36458240 (cited by Quest Diagnostics Nichols Institute San Juan Capistrano); PubMed 21520337 (cited by Quest Diagnostics Nichols Institute San Juan Capistrano); PubMed 11924117 (cited by Quest Diagnostics Nichols Institute San Juan Capistrano); PubMed 32429104 (cited by Quest Diagnostics Nichols Institute San Juan Capistrano); PubMed 32662942 (cited by Quest Diagnostics Nichols Institute San Juan Capistrano); PubMed 23206872 (cited by Quest Diagnostics Nichols Institute San Juan Capistrano); PubMed 9950364 (cited by Quest Diagnostics Nichols Institute San Juan Capistrano); PubMed 9683582 (cited by Quest Diagnostics Nichols Institute San Juan Capistrano and OMIM); PubMed 20301428 (cited by GeneReviews).